The following is an entry in ClinVar:

NM_004312.3(ARR3):c.905+3A>G

Gene: ARR3 (arrestin 3; plus strand). Cytogenetic location: Xq13.1.
Variant type: single nucleotide variant.
Coding change: c.905+3A>G on transcript NM_004312.3 (MANE Select); 3 bases into the intron after coding-DNA position 905, A replaced by G.
Molecular consequence: intron variant.
Genome position (GRCh38, 1-based): chrX:70,278,644, A>G. VCF-style: chrX-70278644-A-G. GRCh37 (hg19) VCF-style: chrX-69498494-A-G.
Identifiers: ClinVar variation 4536934 (VCV004536934.1).

ClinVar aggregate classification (germline): Uncertain significance (1 of 4 stars; one submission).

gnomAD v4.1: 44 of 1,205,018 alleles (0.0037%); highest among the groups gnomAD compares: Admixed American, 0.0044%; no homozygotes.

Submission:

Women's Health and Genetics/Laboratory Corporation of America, LabCorp
Classification: Uncertain significance. Last evaluated: 2025-11-26. Review status: criteria provided, single submitter. Criteria: LabCorp Variant Classification Summary - May 2015. Collection method: clinical testing. Allele origin: germline.
Comment: Variant summary: ARR3 c.905+3A>G alters a conserved nucleotide located close to a canonical splice site and therefore could affect mRNA splicing, leading to a significantly altered protein sequence. Several computational tools predict a significant impact on normal splicing: Two predict the variant weakens a canonical 5' donor site. However, these predictions have yet to be confirmed by functional studies. The variant allele was found at a frequency of 1.7e-05 in 178336 control chromosomes. The available data on variant occurrences in the general population are insufficient to allow any conclusion about variant significance. To our knowledge, no occurrence of c.905+3A>G in individuals affected with ARR3-related conditions and no experimental evidence demonstrating its impact on protein function have been reported. No submitters have cited clinical-significance assessments for this variant to ClinVar. Based on the evidence outlined above, the variant was classified as uncertain significance.